The following is an entry in ClinVar:

NM_005476.7(GNE):c.605G>T (p.Arg202Leu)

Gene: GNE (glucosamine (UDP-N-acetyl)-2-epimerase/N-acetylmannosamine kinase; minus strand). Cytogenetic location: 9p13.3.
Variant type: single nucleotide variant.
Coding change: c.605G>T on transcript NM_005476.7 (MANE Select); coding-DNA position 605, G replaced by T.
Protein change: p.Arg202Leu; replaces arginine 202 with leucine.
Molecular consequence: missense variant.
Genome position (GRCh38, 1-based): chr9:36,246,042, C>A on the plus strand (G>T on the coding strand, the complement: GNE is on the minus strand). VCF-style: chr9-36246042-C-A. GRCh37 (hg19) VCF-style: chr9-36246039-C-A.
Other names: c.698G>T, p.Arg233Leu (NM_001128227.3); c.605G>T, p.Arg202Leu (NM_001190383.3, NM_001374797.1); c.428G>T, p.Arg143Leu (NM_001190384.3, NM_001190388.2, NM_001374798.1); short protein forms R143L, R202L, R233L.
Identifiers: ClinVar variation 4847395 (VCV004847395.1).
Genomic context (GRCh38, chr9:36,246,042, plus strand): 5'-TTTTCTGACAAAAACAGCCATTAGACTGACTAAAGTCTGAGATACGTACCTAGCCACATG[C>A]GAATGATGCTCATGTAGTCTTTGTTCTTGGCTGAGAGAAGTTTGTCATAGGAAGGGCAGC-3'
Protein context (NP_005467.1, residues 192-212): AKNKDYMSII[Arg202Leu]MWLGDDVKSK

ClinVar aggregate classification (germline): Uncertain significance (1 of 4 stars; one submission).

gnomAD v4.1: 1 of 1,613,156 alleles (0.000062%); highest among the groups gnomAD compares: Non-Finnish European, 0.000085%; no homozygotes.

Submission:

Women's Health and Genetics/Laboratory Corporation of America, LabCorp
Classification: Uncertain significance. Last evaluated: 2026-03-09. Review status: criteria provided, single submitter. Criteria: LabCorp Variant Classification Summary - May 2015. Collection method: clinical testing. Allele origin: germline.
Comment: Variant summary: GNE c.698G>T (p.Arg233Leu) results in a non-conservative amino acid change in the encoded protein sequence. Algorithms developed to predict the effect of missense changes on protein structure and function all suggest that this variant is likely to be disruptive. The variant allele was found at a frequency of 4e-06 in 251240 control chromosomes. The available data on variant occurrences in the general population are insufficient to allow any conclusion about variant significance. c.698G>T has been observed in one individual affected with Hereditary inclusion body myopathy (Huizing_2004). These report(s) do not provide unequivocal conclusions about association of the variant with Inclusion Body Myopathy 2. To our knowledge, no experimental evidence demonstrating an impact on protein function has been reported. The following publication has been ascertained in the context of this evaluation (PMID: 14972325). No submitters have cited clinical-significance assessments for this variant to ClinVar. Based on the evidence outlined above, the variant was classified as uncertain significance.

Literature cited by the submitters: PubMed 14972325.